The following is an entry in ClinVar:

ClinVar aggregate classification (germline): Uncertain significance. Review status: criteria provided, multiple submitters, no conflicts (2 of 4 stars). 2 submissions from 2 submitters: Uncertain significance (2). Last evaluated 2025-07-23.

Allele frequency attached by ClinVar (database versions not stated): gnomAD exomes 0.00001 and below 0.00001; TOPMed 0.00020; gnomAD 0.00009 and 0.00008.
gnomAD v4.1: 19 of 1,603,034 alleles (0.0012%); highest among the groups gnomAD compares: Admixed American, 0.029%; no homozygotes.

Submissions (2):

GeneDx
Classification: Uncertain significance. Last evaluated: 2025-07-23. Review status: criteria provided, single submitter. Criteria: GeneDx Variant Classification Process June 2021. Collection method: clinical testing. Allele origin: germline.
Comment: Not observed at significant frequency in large population cohorts (gnomAD); In silico analysis suggests that this missense variant does not alter protein structure/function; Has not been previously published as pathogenic or benign to our knowledge

Labcorp Genetics (formerly Invitae), Labcorp
Classification: Uncertain significance. Last evaluated: 2022-08-31. Review status: criteria provided, single submitter. Criteria: Invitae Variant Classification Sherloc (09022015). Collection method: clinical testing. Allele origin: germline.
Comment: This sequence change replaces leucine, which is neutral and non-polar, with phenylalanine, which is neutral and non-polar, at codon 561 of the WHRN protein (p.Leu561Phe). The frequency data for this variant in the population databases is considered unreliable, as metrics indicate poor data quality at this position in the gnomAD database. This variant has not been reported in the literature in individuals affected with WHRN-related conditions. ClinVar contains an entry for this variant (Variation ID: 860848). Algorithms developed to predict the effect of missense changes on protein structure and function are either unavailable or do not agree on the potential impact of this missense change (SIFT: "Deleterious"; PolyPhen-2: "Benign"; Align-GVGD: "Class C15"). In summary, the available evidence is currently insufficient to determine the role of this variant in disease. Therefore, it has been classified as a Variant of Uncertain Significance.

NM_015404.4(WHRN):c.1681C>T (p.Leu561Phe)

Gene: WHRN (whirlin; minus strand). Cytogenetic location: 9q32.
Variant type: single nucleotide variant.
Coding change: c.1681C>T on transcript NM_015404.4 (MANE Select); coding-DNA position 1681, C replaced by T.
Protein change: p.Leu561Phe; replaces leucine 561 with phenylalanine.
Molecular consequence: missense variant.
Genome position (GRCh38, 1-based): chr9:114,407,964, G>A on the plus strand (C>T on the coding strand, the complement: WHRN is on the minus strand). VCF-style: chr9-114407964-G-A. GRCh37 (hg19) VCF-style: chr9-117170244-G-A.
Other names: c.532C>T, p.Leu178Phe (NM_001083885.3); c.1681C>T, p.Leu561Phe (NM_001173425.2); c.628C>T, p.Leu210Phe (NM_001346890.1); c.1681C>T (NM_015404.2); short protein forms L178F, L210F, L561F.
Identifiers: ClinVar variation 860848 (VCV000860848.8), dbSNP rs899962077, ClinGen allele CA198650877.